The following is an entry in ClinVar:

ClinVar aggregate classification (germline): Likely pathogenic (1 of 4 stars; one submission).

Conditions:
Smith-Lemli-Opitz syndrome (SLOS). Also called: LETHAL ACRODYSGENITAL SYNDROME; POLYDACTYLY, SEX REVERSAL, RENAL HYPOPLASIA, AND UNILOBAR LUNG; RSH SYNDROME; RUTLEDGE LETHAL MULTIPLE CONGENITAL ANOMALY SYNDROME; 7-Dehydrocholesterol reductase deficiency. Identifiers: Orphanet 818, MedGen C0175694, MONDO:0010035, OMIM 270400.

Submission:

Natera, Inc.
Classification: Likely pathogenic for Smith-Lemli-Opitz syndrome. Last evaluated: 2025-12-08. Review status: criteria provided, single submitter. Criteria: Natera Variant Classification Schema (03/2026). Collection method: clinical testing. Allele origin: germline.
Comment: The c.1158delinsCCGAC variant in DHCR7 is a frameshift variant predicted to elongate the protein beyond the termination codon. This variant is expected to result in nonsense mediated decay, truncation, or a dysfunctional protein product. This variant is rare in the general population with a frequency below the threshold expected for the associated phenotype(s). Given the available evidence, this variant is classified as Likely Pathogenic.

NM_001360.3(DHCR7):c.1158delinsCCGAC (p.Gly387fs)

Gene: DHCR7 (7-dehydrocholesterol reductase; minus strand). Cytogenetic location: 11q13.4.
Variant type: Indel.
Coding change: c.1158delinsCCGAC on transcript NM_001360.3 (MANE Select); coding-DNA position 1158, T replaced by CCGAC.
Protein change: p.Gly387fs; shifts the reading frame from glycine 387.
Molecular consequence: frameshift variant. On other transcripts: 3 prime UTR variant (1), intron variant (3).
Genome position (GRCh38, 1-based): chr11:71,435,645, A replaced by GTCGG on the plus strand (T replaced by CCGAC on the coding strand, the reverse complement: DHCR7 is on the minus strand). VCF-style: chr11-71435645-A-GTCGG. GRCh37 (hg19) VCF-style: chr11-71146691-A-GTCGG.
Other names: c.1158delinsCCGAC, p.Gly387fs (NM_001163817.2, NM_001425109.1, NM_001425110.1 and 1 more transcripts); c.1158delTinsCCGAC, p.Gly387Argfs (NM_001360.2); c.1209delinsCCGAC, p.Gly404fs (NM_001425107.1); c.1194delinsCCGAC, p.Gly399fs (NM_001425108.1); c.1292delinsCCGAC, p.Met431fs (NM_001425112.1); c.1098delinsCCGAC, p.Gly367fs (NM_001425113.1); c.1062delinsCCGAC, p.Gly355fs (NM_001425114.1); c.1196delinsCCGAC, p.Met399fs (NM_001425116.1); and 5 more; short protein forms G329fs, G355fs, G367fs, G387fs, G399fs, G404fs, M399fs, M431fs.
Identifiers: ClinVar variation 4814807 (VCV004814807.1).
Genomic context (GRCh38, chr11:71,435,645, plus strand): 5'-GAAGTGGCGGGCCACGCCCCAGAAGCCCGACACCAGCAGCTTGCTGTGGTGCCTCTGCCC[A>GTCGG]TCGGCGGATGTGTAGGAGCACTCGATGACCTTGGGCTTCCTGCCCCAGATGAGGCAGCGC-3'